The following is an entry in ClinVar:

NM_000094.4(COL7A1):c.4012G>T (p.Gly1338Ter)

Gene: COL7A1 (collagen type VII alpha 1 chain; minus strand). Cytogenetic location: 3p21.31.
Variant type: single nucleotide variant.
Coding change: c.4012G>T on transcript NM_000094.4 (MANE Select); coding-DNA position 4012, G replaced by T.
Protein change: p.Gly1338Ter; replaces glycine 1338 with a stop codon.
Molecular consequence: nonsense.
Genome position (GRCh38, 1-based): chr3:48,584,769, C>A on the plus strand (G>T on the coding strand, the complement: COL7A1 is on the minus strand). VCF-style: chr3-48584769-C-A. GRCh37 (hg19) VCF-style: chr3-48622202-C-A.
Other names: short protein forms G1338*.
Identifiers: ClinVar variation 5013421 (VCV005013421.1).

ClinVar aggregate classification (germline): Pathogenic (1 of 4 stars; one submission).

Conditions:
Recessive dystrophic epidermolysis bullosa (RDEB). Also called: DYSTROPHIC EPIDERMOLYSIS BULLOSA, AUTOSOMAL RECESSIVE; EPIDERMOLYSIS BULLOSA DYSTROPHICA, HALLOPEAU-SIEMENS TYPE; Hallopeau-Siemens Disease; severe generalized recessive dystrophic epidermolysis bullosa; EPIDERMOLYSIS BULLOSA DYSTROPHICA, GENERALIZED SEVERE, AUTOSOMAL RECESSIVE; Epidermolysis Bullosa Distrophica Autosomal Recessive (RDEB). Identifiers: Orphanet 79408, Orphanet 79409, MedGen C0079474, MONDO:0009179, OMIM 226600.

Submission:

Myriad Genetics, Inc.
Classification: Pathogenic for Recessive dystrophic epidermolysis bullosa. Last evaluated: 2024-08-06. Review status: criteria provided, single submitter. Criteria: Myriad Autosomal Dominant, Autosomal Recessive and X-Linked Classification Criteria (2023). Collection method: clinical testing. Allele origin: unknown.
Comment: NM_000094.3(COL7A1):c.4012G>T(G1338*) is expected to be pathogenic in the context of dystrophic epidermolysis bullosa. This variant is predicted to lead to an abnormal or absent protein product due to the creation of a premature termination codon in COL7A1, a gene where loss-of-function variants are known to be pathogenic. Please note: this variant was assessed in the context of healthy population screening.